The following is an entry in ClinVar:

ClinVar aggregate classification (germline): Uncertain significance. Review status: criteria provided, multiple submitters, no conflicts (2 of 4 stars). 2 submissions from 2 submitters: Uncertain significance (2). Last evaluated 2025-12-16.

Conditions:
Epileptic encephalopathy. Identifiers: MedGen C0543888, HP:0200134.

Allele frequency attached by ClinVar (database versions not stated): TOPMed 0.00002; gnomAD exomes 0.00003; gnomAD 0.00001; ExAC 0.00002.
gnomAD v4.1: 48 of 1,612,962 alleles (0.003%); highest among the groups gnomAD compares: Non-Finnish European, 0.0036%; no homozygotes.

Submissions (2):

Ambry Genetics
Classification: Uncertain significance. Last evaluated: 2025-12-16. Review status: criteria provided, single submitter. Criteria: Ambry Variant Classification Scheme 2023. Collection method: clinical testing. Allele origin: germline.

Labcorp Genetics (formerly Invitae), Labcorp
Classification: Uncertain significance for Epileptic encephalopathy. Last evaluated: 2019-08-27. Review status: criteria provided, single submitter. Criteria: Invitae Variant Classification Sherloc (09022015). Collection method: clinical testing. Allele origin: germline.
Comment: This variant is present in population databases (rs758679094, ExAC 0.01%). In summary, the available evidence is currently insufficient to determine the role of this variant in disease. Therefore, it has been classified as a Variant of Uncertain Significance. Algorithms developed to predict the effect of missense changes on protein structure and function output the following: SIFT: "Tolerated"; PolyPhen-2: "Benign"; Align-GVGD: "Class C0". The threonine amino acid residue is found in multiple mammalian species, suggesting that this missense change does not adversely affect protein function. These predictions have not been confirmed by published functional studies and their clinical significance is uncertain. This variant has not been reported in the literature in individuals with RYR3-related conditions. This sequence change replaces alanine with threonine at codon 1331 of the RYR3 protein (p.Ala1331Thr). The alanine residue is moderately conserved and there is a small physicochemical difference between alanine and threonine.

NM_001036.6(RYR3):c.3991G>A (p.Ala1331Thr)

Gene: RYR3 (ryanodine receptor 3; plus strand). Cytogenetic location: 15q14.
Variant type: single nucleotide variant.
Coding change: c.3991G>A on transcript NM_001036.6 (MANE Select); coding-DNA position 3991, G replaced by A.
Protein change: p.Ala1331Thr; replaces alanine 1331 with threonine.
Molecular consequence: missense variant.
Genome position (GRCh38, 1-based): chr15:33,649,084, G>A. VCF-style: chr15-33649084-G-A. GRCh37 (hg19) VCF-style: chr15-33941285-G-A.
Other names: c.3991G>A (NM_001036.3); c.3991G>A, p.Ala1331Thr (NM_001243996.4); short protein forms A1331T.
Identifiers: ClinVar variation 658329 (VCV000658329.13), dbSNP rs758679094, ClinGen allele CA7458872.